The following is an entry in ClinVar:

ClinVar aggregate classification (germline): Uncertain significance (1 of 4 stars; one submission).

Allele frequency attached by ClinVar (database versions not stated): gnomAD exomes below 0.00001 and 0.00002.
gnomAD v4.1: 9 of 1,614,182 alleles (0.00056%); highest among the groups gnomAD compares: South Asian, 0.0099%; no homozygotes.

Submission:

Labcorp Genetics (formerly Invitae), Labcorp
Classification: Uncertain significance. Last evaluated: 2021-05-04. Review status: criteria provided, single submitter. Criteria: Invitae Variant Classification Sherloc (09022015). Collection method: clinical testing. Allele origin: germline.
Comment: This sequence change replaces glutamine with leucine at codon 453 of the VAV1 protein (p.Gln453Leu). The glutamine residue is moderately conserved and there is a moderate physicochemical difference between glutamine and leucine. This variant is not present in population databases (ExAC no frequency). This variant has not been reported in the literature in individuals with VAV1-related conditions. Algorithms developed to predict the effect of missense changes on protein structure and function are either unavailable or do not agree on the potential impact of this missense change (SIFT: "Tolerated"; PolyPhen-2: "Possibly Damaging"; Align-GVGD: "Class C0"). In summary, the available evidence is currently insufficient to determine the role of this variant in disease. Therefore, it has been classified as a Variant of Uncertain Significance.

NM_005428.4(VAV1):c.1358A>T (p.Gln453Leu)

Gene: VAV1 (vav guanine nucleotide exchange factor 1; plus strand). Cytogenetic location: 19p13.3.
Variant type: single nucleotide variant.
Coding change: c.1358A>T on transcript NM_005428.4 (MANE Select); coding-DNA position 1358, A replaced by T.
Protein change: p.Gln453Leu; replaces glutamine 453 with leucine.
Molecular consequence: missense variant.
Genome position (GRCh38, 1-based): chr19:6,829,878, A>T. VCF-style: chr19-6829878-A-T. GRCh37 (hg19) VCF-style: chr19-6829889-A-T.
Other names: c.1358A>T, p.Gln453Leu (NM_001258206.2); c.1262A>T, p.Gln421Leu (NM_001258207.2); short protein forms Q421L, Q453L.
Identifiers: ClinVar variation 1464143 (VCV001464143.8), dbSNP rs1307308032, ClinGen allele CA403624618.